The following is an entry in ClinVar:

ClinVar aggregate classification (germline): Uncertain significance. Review status: criteria provided, multiple submitters, no conflicts (2 of 4 stars). 3 submissions from 3 submitters: Uncertain significance (3). Last evaluated 2023-04-11.

Conditions:
Pyridoxine-dependent epilepsy (EPEO4). Also called: Pyridoxine-Dependent Epilepsy - ALDH7A1; PYRIDOXINE DEPENDENCY WITH SEIZURES; EPILEPSY, EARLY-ONSET, 4, VITAMIN B6-DEPENDENT; Pyridoxine-Dependent Seizures. Identifiers: Orphanet 3006, MedGen C1849508, MONDO:0009945, OMIM 266100. Disease mechanism: loss of function.

Allele frequency attached by ClinVar (database versions not stated): gnomAD exomes 0.00003; gnomAD 0.00002; TOPMed 0.00003.
gnomAD v4.1: 13 of 1,552,572 alleles (0.00084%); highest among the groups gnomAD compares: African/African-American, 0.014%; no homozygotes.

Submissions (3):

Genome-Nilou Lab
Classification: Uncertain significance for Pyridoxine-dependent epilepsy. Last evaluated: 2023-04-11. Review status: criteria provided, single submitter. Criteria: ACMG Guidelines, 2015. Collection method: clinical testing. Allele origin: germline. Affected: no.

Labcorp Genetics (formerly Invitae), Labcorp
Classification: Uncertain significance for Pyridoxine-dependent epilepsy. Last evaluated: 2022-07-08. Review status: criteria provided, single submitter. Criteria: Invitae Variant Classification Sherloc (09022015). Collection method: clinical testing. Allele origin: germline.
Comment: This sequence change replaces alanine, which is neutral and non-polar, with serine, which is neutral and polar, at codon 7 of the ALDH7A1 protein (p.Ala7Ser). This variant is present in population databases (no rsID available, gnomAD 0.02%). This variant has not been reported in the literature in individuals affected with ALDH7A1-related conditions. ClinVar contains an entry for this variant (Variation ID: 1302974). Advanced modeling of protein sequence and biophysical properties (such as structural, functional, and spatial information, amino acid conservation, physicochemical variation, residue mobility, and thermodynamic stability) performed at Invitae indicates that this missense variant is not expected to disrupt ALDH7A1 protein function. In summary, the available evidence is currently insufficient to determine the role of this variant in disease. Therefore, it has been classified as a Variant of Uncertain Significance.

GeneDx
Classification: Uncertain significance. Last evaluated: 2019-09-16. Review status: criteria provided, single submitter. Criteria: GeneDx Variant Classification Process June 2021. Collection method: clinical testing. Allele origin: germline. Affected: yes.
Comment: In silico analysis, which includes protein predictors and evolutionary conservation, supports that this variant does not alter protein structure/function; Has not been previously published as pathogenic or benign to our knowledge

NM_001182.5(ALDH7A1):c.19G>T (p.Ala7Ser)

Gene: ALDH7A1 (aldehyde dehydrogenase 7 family member A1; minus strand). Cytogenetic location: 5q23.2.
Variant type: single nucleotide variant.
Coding change: c.19G>T on transcript NM_001182.5 (MANE Select); coding-DNA position 19, G replaced by T.
Protein change: p.Ala7Ser; replaces alanine 7 with serine.
Molecular consequence: missense variant. On other transcripts: 5 prime UTR variant (1).
Genome position (GRCh38, 1-based): chr5:126,595,180, C>A on the plus strand (G>T on the coding strand, the complement: ALDH7A1 is on the minus strand). VCF-style: chr5-126595180-C-A. GRCh37 (hg19) VCF-style: chr5-125930872-C-A.
Other names: c.-66G>T (NM_001201377.2); c.19G>T, p.Ala7Ser (NM_001202404.2); short protein forms A7S.
Identifiers: ClinVar variation 1302974 (VCV001302974.5), dbSNP rs935322440, ClinGen allele CA360734010.